The following is an entry in ClinVar:

NM_000286.3(PEX12):c.899T>C (p.Met300Thr)

Gene: PEX12 (peroxisomal biogenesis factor 12; minus strand). Cytogenetic location: 17q12.
Variant type: single nucleotide variant.
Coding change: c.899T>C on transcript NM_000286.3 (MANE Select); coding-DNA position 899, T replaced by C.
Protein change: p.Met300Thr; replaces methionine 300 with threonine.
Molecular consequence: missense variant.
Genome position (GRCh38, 1-based): chr17:35,575,963, A>G on the plus strand (T>C on the coding strand, the complement: PEX12 is on the minus strand). VCF-style: chr17-35575963-A-G. GRCh37 (hg19) VCF-style: chr17-33902982-A-G.
Other names: short protein forms M300T.
Identifiers: ClinVar variation 1402226 (VCV001402226.5), dbSNP rs776806092, ClinGen allele CA8504825.

ClinVar aggregate classification (germline): Uncertain significance (1 of 4 stars; one submission).

Conditions:
Peroxisome biogenesis disorder 3A (Zellweger). Also called: PEROXISOMAL BIOGENESIS DISORDER 3A (ZELLWEGER); Peroxisome biogenesis disorder 3A. Identifiers: Orphanet 912, MedGen C3553929, MONDO:0013927, OMIM 614859.

Allele frequency attached by ClinVar (database versions not stated): TOPMed below 0.00001; ExAC 0.00001; gnomAD 0.00001; gnomAD exomes 0.00001 and 0.00003.

Submission:

Labcorp Genetics (formerly Invitae), Labcorp
Classification: Uncertain significance for Peroxisome biogenesis disorder 3A (Zellweger). Last evaluated: 2021-09-30. Review status: criteria provided, single submitter. Criteria: Invitae Variant Classification Sherloc (09022015). Collection method: clinical testing. Allele origin: germline.
Comment: This sequence change replaces methionine with threonine at codon 300 of the PEX12 protein (p.Met300Thr). The methionine residue is weakly conserved and there is a moderate physicochemical difference between methionine and threonine. This variant is present in population databases (rs776806092, ExAC 0.01%). This variant has not been reported in the literature in individuals with PEX12-related conditions. Algorithms developed to predict the effect of missense changes on protein structure and function (SIFT, PolyPhen-2, Align-GVGD) all suggest that this variant is likely to be tolerated, but these predictions have not been confirmed by published functional studies and their clinical significance is uncertain. In summary, the available evidence is currently insufficient to determine the role of this variant in disease. Therefore, it has been classified as a Variant of Uncertain Significance.